The following is an entry in ClinVar:

NM_000213.5(ITGB4):c.3230G>A (p.Arg1077His)

Gene: ITGB4 (integrin subunit beta 4; plus strand). Cytogenetic location: 17q25.1.
Variant type: single nucleotide variant.
Coding change: c.3230G>A on transcript NM_000213.5 (MANE Select); coding-DNA position 3230, G replaced by A.
Protein change: p.Arg1077His; replaces arginine 1077 with histidine.
Molecular consequence: missense variant.
Genome position (GRCh38, 1-based): chr17:75,748,959, G>A. VCF-style: chr17-75748959-G-A. GRCh37 (hg19) VCF-style: chr17-73745040-G-A.
Other names: c.3230G>A, p.Arg1077His (NM_001005619.2, NM_001005731.3, NM_001321123.2); short protein forms R1077H.
Identifiers: ClinVar variation 3111459 (VCV003111459.4), dbSNP rs201487753, ClinGen allele CA8769742.

ClinVar aggregate classification (germline): Uncertain significance. Review status: criteria provided, multiple submitters, no conflicts (2 of 4 stars). 3 submissions from 3 submitters: Uncertain significance (3). Last evaluated 2024-09-11.

Conditions:
Inborn genetic diseases. Identifiers: MedGen C0950123, MeSH D030342.
Junctional epidermolysis bullosa with pyloric atresia. Also called: ITGB4-Related Epidermolysis Bullosa with Pyloric Atresia; ITGA6-Related Epidermolysis Bullosa with Pyloric Atresia; Epidermolysis bullosa, junctional, with pyloric atresia and aplasia cutis congenita; Epidermolysis bullosa junctionalis with pyloric atresia; EPIDERMOLYSIS BULLOSA, JUNCTIONAL 5B, WITH PYLORIC ATRESIA; Junctional Epidermolysis Bullosa- Pyloric Atresia Syndrome. Identifiers: Orphanet 79403, MedGen C5676875, MONDO:0009183, OMIM 226730.
Epidermolysis bullosa, junctional 5A, intermediate. Also called: EPIDERMOLYSIS BULLOSA, JUNCTIONAL 5A, GENERALIZED INTERMEDIATE; EPIDERMOLYSIS BULLOSA, JUNCTIONAL 5A, NON-HERLITZ TYPE. Identifiers: MedGen C5676956, MONDO:0030768, OMIM 619816.

gnomAD v4.1: 54 of 1,613,362 alleles (0.0033%); highest among the groups gnomAD compares: East Asian, 0.016%; no homozygotes.

Submissions (3):

Labcorp Genetics (formerly Invitae), Labcorp
Classification: Uncertain significance. Last evaluated: 2024-09-11. Review status: criteria provided, single submitter. Criteria: Invitae Variant Classification Sherloc (09022015). Collection method: clinical testing. Allele origin: germline.
Comment: This sequence change replaces arginine, which is basic and polar, with histidine, which is basic and polar, at codon 1077 of the ITGB4 protein (p.Arg1077His). This variant is present in population databases (rs201487753, gnomAD 0.006%). This variant has not been reported in the literature in individuals affected with ITGB4-related conditions. Invitae Evidence Modeling of protein sequence and biophysical properties (such as structural, functional, and spatial information, amino acid conservation, physicochemical variation, residue mobility, and thermodynamic stability) indicates that this missense variant is not expected to disrupt ITGB4 protein function with a negative predictive value of 80%. In summary, the available evidence is currently insufficient to determine the role of this variant in disease. Therefore, it has been classified as a Variant of Uncertain Significance.

Fulgent Genetics
Classification: Uncertain significance for Junctional epidermolysis bullosa with pyloric atresia; Epidermolysis bullosa, junctional 5A, intermediate. Last evaluated: 2024-05-21. Review status: criteria provided, single submitter. Criteria: ACMG Guidelines, 2015. Collection method: clinical testing. Allele origin: germline.

Ambry Genetics
Classification: Uncertain significance for Inborn genetic diseases. Last evaluated: 2024-02-05. Review status: criteria provided, single submitter. Criteria: Ambry Variant Classification Scheme 2023. Collection method: clinical testing. Allele origin: germline.